The following is an entry in ClinVar:

NM_014251.3(SLC25A13):c.955C>T (p.Arg319Ter)

Gene: SLC25A13 (solute carrier family 25 member 13; minus strand). Cytogenetic location: 7q21.3.
Variant type: single nucleotide variant.
Coding change: c.955C>T on transcript NM_014251.3 (MANE Select); coding-DNA position 955, C replaced by T.
Protein change: p.Arg319Ter; replaces arginine 319 with a stop codon.
Molecular consequence: nonsense. On other transcripts: non-coding transcript variant (1).
Genome position (GRCh38, 1-based): chr7:96,184,990, G>A on the plus strand (C>T on the coding strand, the complement: SLC25A13 is on the minus strand). VCF-style: chr7-96184990-G-A. GRCh37 (hg19) VCF-style: chr7-95814302-G-A.
Other names: c.958C>T, p.Arg320Ter (NM_001160210.2); short protein forms R319*, R320*.
Identifiers: ClinVar variation 372748 (VCV000372748.10), dbSNP rs763191789, ClinGen allele CA16042703.

ClinVar aggregate classification (germline): Pathogenic. Review status: criteria provided, multiple submitters, no conflicts (2 of 4 stars). 3 submissions from 3 submitters: Pathogenic (3). Last evaluated 2024-07-08.

Conditions:
Citrullinemia. Identifiers: Orphanet 187, MedGen C0175683, MONDO:0015991.
Citrin deficiency. Identifiers: Orphanet 247582, MedGen C1997910, MONDO:0016602.

Allele frequency attached by ClinVar (database versions not stated): TOPMed below 0.00001; gnomAD 0.00001.
gnomAD v4.1: 10 of 1,613,978 alleles (0.00062%); highest among the groups gnomAD compares: African/African-American, 0.0013%; no homozygotes.

Submissions (3):

Natera, Inc.
Classification: Pathogenic for Citrullinemia. Last evaluated: 2024-07-08. Review status: criteria provided, single submitter. Criteria: Natera Variant Classification Schema (03/2026). Collection method: clinical testing. Allele origin: germline.
Comment: The c.955C>T variant in SLC25A13 is a nonsense variant predicted to introduce a stop codon at amino acid 319. This variant is expected to result in nonsense mediated decay, truncation, or a dysfunctional protein product. This variant is rare in the general population with a frequency below the threshold expected for the associated phenotype(s). This variant has been observed in one or more individuals affected with the associated recessive disease, as either homozygous or compound heterozygous with a second variant (PMID: 32289814). Given the available evidence, this variant is classified as Pathogenic.

Labcorp Genetics (formerly Invitae), Labcorp
Classification: Pathogenic for Citrin deficiency. Last evaluated: 2024-03-07. Review status: criteria provided, single submitter. Criteria: Invitae Variant Classification Sherloc (09022015). Collection method: clinical testing. Allele origin: germline.
Comment: This sequence change creates a premature translational stop signal (p.Arg319*) in the SLC25A13 gene. It is expected to result in an absent or disrupted protein product. Loss-of-function variants in SLC25A13 are known to be pathogenic (PMID: 10369257, 14680984, 27405544). This variant is present in population databases (no rsID available, gnomAD 0.0009%). This premature translational stop signal has been observed in individuals with neonatal intrahepatic cholestasis caused by citrin deficiency (PMID: 19185551). ClinVar contains an entry for this variant (Variation ID: 372748). Algorithms developed to predict the effect of sequence changes on RNA splicing suggest that this variant may disrupt the consensus splice site. For these reasons, this variant has been classified as Pathogenic.

GeneDx
Classification: Pathogenic. Last evaluated: 2020-10-31. Review status: criteria provided, single submitter. Criteria: GeneDx Variant Classification Process June 2021. Collection method: clinical testing. Allele origin: germline. Affected: yes.
Comment: Nonsense variant predicted to result in protein truncation or nonsense mediated decay in a gene for which loss-of-function is a known mechanism of disease; Not observed at a significant frequency in large population cohorts (Lek et al., 2016); This variant is associated with the following publications: (PMID: 30642297, 19099775, 20927635, 25525159, 19185551, 24069319, 27405544)

Literature cited by the submitters: PubMed 32289814 (cited by Natera, Inc.); PubMed 10369257 (cited by Labcorp Genetics (formerly Invitae), Labcorp); PubMed 14680984 (cited by Labcorp Genetics (formerly Invitae), Labcorp); PubMed 27405544 (cited by Labcorp Genetics (formerly Invitae), Labcorp); PubMed 19185551 (cited by Labcorp Genetics (formerly Invitae), Labcorp).